The following is an entry in ClinVar:

ClinVar aggregate classification (germline): Uncertain significance (1 of 4 stars; one submission).

Submission:

Dasa
Classification: Uncertain significance. Last evaluated: 2025-02-09. Review status: criteria provided, single submitter. Criteria: DASA Assertion Criteria. Collection method: clinical testing. Allele origin: germline.
Comment: NM_005035.4(POLRMT):c.1626+1G>A affects a canonical splice site and is predicted to disrupt normal RNA splicing. This variant is absent from population databases. The currently available literature and clinical evidence are not sufficient to establish a definitive association between this variant and the reported condition. Therefore, this variant is classified as a variant of uncertain significance.

NM_005035.4(POLRMT):c.1626+1G>A

Gene: POLRMT (RNA polymerase mitochondrial; minus strand). Cytogenetic location: 19p13.3.
Variant type: single nucleotide variant.
Coding change: c.1626+1G>A on transcript NM_005035.4 (MANE Select); the canonical splice donor site of the intron after coding-DNA position 1626, G replaced by A.
Molecular consequence: splice donor variant.
Genome position (GRCh38, 1-based): chr19:622,581, C>T on the plus strand (G>A on the coding strand, the complement: POLRMT is on the minus strand). VCF-style: chr19-622581-C-T. GRCh37 (hg19) VCF-style: chr19-622581-C-T.
Other names: c.1584+1G>A (NM_001407813.1, NM_001407811.1); c.1614+1G>A (NM_001407810.1, NM_001407807.1); c.1617+1G>A (NM_001407809.1, NM_001407806.1); c.1626+1G>A (NM_001407832.1, NM_001407830.1, NM_001407829.1 and 6 more transcripts); c.1293+1G>A (NM_001407834.1); c.1302+1G>A (NM_001407836.1, NM_001407835.1, NM_001407833.1 and 1 more transcripts).
Identifiers: ClinVar variation 4880913 (VCV004880913.2).